The following is an entry in ClinVar:

NM_001408.3(CELSR2):c.3298G>A (p.Val1100Met)

Genes: CELSR2 (cadherin EGF LAG seven-pass G-type receptor 2; plus strand), LOC110121283 (VISTA enhancer hs2216; plus strand). Cytogenetic location: 1p13.3.
Variant type: single nucleotide variant.
Coding change: c.3298G>A on transcript NM_001408.3 (MANE Select); coding-DNA position 3298, G replaced by A.
Protein change: p.Val1100Met; replaces valine 1100 with methionine.
Molecular consequence: missense variant.
Genome position (GRCh38, 1-based): chr1:109,253,377, G>A. VCF-style: chr1-109253377-G-A. GRCh37 (hg19) VCF-style: chr1-109795999-G-A.
Other names: short protein forms V1100M.
Identifiers: ClinVar variation 2420498 (VCV002420498.7), dbSNP rs751348890, ClinGen allele CA986899.

ClinVar aggregate classification (germline): Uncertain significance (1 of 4 stars; one submission).

Allele frequency attached by ClinVar (database versions not stated): ExAC 0.00003; TOPMed 0.00006; gnomAD 0.00007.
gnomAD v4.1: 52 of 1,612,330 alleles (0.0032%); highest among the groups gnomAD compares: African/African-American, 0.011%; no homozygotes.

Submission:

Labcorp Genetics (formerly Invitae), Labcorp
Classification: Uncertain significance. Last evaluated: 2022-09-09. Review status: criteria provided, single submitter. Criteria: Invitae Variant Classification Sherloc (09022015). Collection method: clinical testing. Allele origin: germline.
Comment: In summary, the available evidence is currently insufficient to determine the role of this variant in disease. Therefore, it has been classified as a Variant of Uncertain Significance. Advanced modeling of protein sequence and biophysical properties (such as structural, functional, and spatial information, amino acid conservation, physicochemical variation, residue mobility, and thermodynamic stability) has been performed at Invitae for this missense variant, however the output from this modeling did not meet the statistical confidence thresholds required to predict the impact of this variant on CELSR2 protein function. This variant has not been reported in the literature in individuals affected with CELSR2-related conditions. This variant is present in population databases (rs751348890, gnomAD 0.02%). This sequence change replaces valine, which is neutral and non-polar, with methionine, which is neutral and non-polar, at codon 1100 of the CELSR2 protein (p.Val1100Met).